The following is an entry in ClinVar:

ClinVar aggregate classification (germline): Likely benign (0 of 4 stars; one submission).

Conditions:
DLGAP1-related disorder. Also called: DLGAP1-related condition.

Allele frequency attached by ClinVar (database versions not stated): TOPMed 0.00002; gnomAD 0.00007; gnomAD exomes 0.00017; ExAC 0.00042; 1000 Genomes Project 30x 0.00078; 1000 Genomes Project 0.00100.
gnomAD v4.1: 257 of 1,606,174 alleles (0.016%); highest among the groups gnomAD compares: South Asian, 0.27%; 2 homozygotes.

Submission:

PreventionGenetics, part of Exact Sciences
Classification: Likely benign for DLGAP1-related condition. Last evaluated: 2022-04-06. Review status: no assertion criteria provided. Collection method: clinical testing. Allele origin: germline.
Comment: This variant is classified as likely benign based on ACMG/AMP sequence variant interpretation guidelines (Richards et al. 2015 PMID: 25741868, with internal and published modifications).

NM_004746.4(DLGAP1):c.406G>A (p.Gly136Ser)

Genes: DLGAP1 (DLG associated protein 1; minus strand), DLGAP1-AS3 (DLGAP1 antisense RNA 3; plus strand). Cytogenetic location: 18p11.31.
Variant type: single nucleotide variant.
Coding change: c.406G>A on transcript NM_004746.4 (MANE Select); coding-DNA position 406, G replaced by A.
Protein change: p.Gly136Ser; replaces glycine 136 with serine.
Molecular consequence: missense variant.
Genome position (GRCh38, 1-based): chr18:3,879,663, C>T on the plus strand (G>A on the coding strand, the complement: DLGAP1 is on the minus strand). VCF-style: chr18-3879663-C-T. GRCh37 (hg19) VCF-style: chr18-3879663-C-T.
Other names: c.406G>A, p.Gly136Ser (NM_001242761.2, NM_001398525.1, NM_001398526.1 and 2 more transcripts); short protein forms G136S.
Identifiers: ClinVar variation 3054401 (VCV003054401.2), dbSNP rs575139844, ClinGen allele CA8876751.